The following is an entry in ClinVar:

ClinVar aggregate classification (germline): Uncertain significance (1 of 4 stars; one submission).

Submission:

GeneDx
Classification: Uncertain significance. Last evaluated: 2024-05-14. Review status: criteria provided, single submitter. Criteria: GeneDx Variant Classification Process June 2021. Collection method: clinical testing. Allele origin: germline. Affected: yes.
Comment: Not observed at significant frequency in large population cohorts (gnomAD); In silico analysis supports that this missense variant has a deleterious effect on protein structure/function; Has not been previously published as pathogenic or benign to our knowledge

NM_181672.3(OGT):c.1124G>A (p.Gly375Glu)

Gene: OGT (O-linked N-acetylglucosamine (GlcNAc) transferase; plus strand). Cytogenetic location: Xq13.1.
Variant type: single nucleotide variant.
Coding change: c.1124G>A on transcript NM_181672.3 (MANE Select); coding-DNA position 1124, G replaced by A.
Protein change: p.Gly375Glu; replaces glycine 375 with glutamic acid.
Molecular consequence: missense variant.
Genome position (GRCh38, 1-based): chrX:71,556,738, G>A. VCF-style: chrX-71556738-G-A. GRCh37 (hg19) VCF-style: chrX-70776588-G-A.
Other names: c.1094G>A, p.Gly365Glu (NM_181673.3); short protein forms G365E, G375E.
Identifiers: ClinVar variation 3378349 (VCV003378349.1).